The following is an entry in ClinVar:

NM_000138.5(FBN1):c.6314-1G>A

Gene: FBN1 (fibrillin 1; minus strand). Cytogenetic location: 15q21.1.
Variant type: single nucleotide variant.
Coding change: c.6314-1G>A on transcript NM_000138.5 (MANE Select); the canonical splice acceptor site of the intron before coding-DNA position 6314, G replaced by A.
Molecular consequence: splice acceptor variant.
Genome position (GRCh38, 1-based): chr15:48,437,388, C>T on the plus strand (G>A on the coding strand, the complement: FBN1 is on the minus strand). VCF-style: chr15-48437388-C-T. GRCh37 (hg19) VCF-style: chr15-48729585-C-T.
Other names: c.6314-1G>A (NM_001406716.1).
Identifiers: ClinVar variation 1752809 (VCV001752809.2), dbSNP rs2505437074, ClinGen allele CA392336874.

ClinVar aggregate classification (germline): Likely pathogenic (1 of 4 stars; one submission).

Conditions:
Familial thoracic aortic aneurysm and aortic dissection (TAAD). Also called: Thoracic aortic aneurysms and dissections. Identifiers: Orphanet 91387, MedGen C4707243, MONDO:0019625.

Submission:

Ambry Genetics
Classification: Likely pathogenic for Familial thoracic aortic aneurysm and aortic dissection. Last evaluated: 2020-09-10. Review status: criteria provided, single submitter. Criteria: Ambry Variant Classification Scheme 2023. Collection method: clinical testing. Allele origin: germline.
Comment: The c.6314-1G>A intronic variant results from a G to A substitution one nucleotide upstream from coding exon 51 of the FBN1 gene. Alterations that disrupt the canonical splice site are expected to cause aberrant splicing. For this alteration, the resulting transcript is predicted to be in-frame and is not expected to trigger nonsense-mediated mRNAdecay; however, direct evidence is unavailable. The exact functional effect of the predicted deletion is unknown, but the impacted region is critical for protein function (Ambry internal data). This variant was not reported in population-based cohorts in the Genome Aggregation Database (gnomAD). This nucleotide position is highly conserved in available vertebrate species. In silico splice site analysis predicts that this alteration may weaken the native splice donor site. Based on the majority of available evidence to date, this variant is likely to be pathogenic.